The following is an entry in ClinVar:

ClinVar aggregate classification (germline): Uncertain significance (1 of 4 stars; one submission).

Allele frequency attached by ClinVar (database versions not stated): gnomAD exomes below 0.00001.
gnomAD v4.1: 1 of 1,614,204 alleles (0.000062%); highest among the groups gnomAD compares: Non-Finnish European, 0.000085%; no homozygotes.

Submission:

GeneDx
Classification: Uncertain significance. Last evaluated: 2019-12-13. Review status: criteria provided, single submitter. Criteria: GeneDx Variant Classification Process June 2021. Collection method: clinical testing. Allele origin: germline. Affected: yes.
Comment: Not observed in large population cohorts (Lek et al., 2016); In silico analysis, which includes protein predictors and evolutionary conservation, supports a deleterious effect; Has not been previously published as pathogenic or benign to our knowledge

NM_002291.3(LAMB1):c.3532C>A (p.Pro1178Thr)

Gene: LAMB1 (laminin subunit beta 1; minus strand). Cytogenetic location: 7q31.1.
Variant type: single nucleotide variant.
Coding change: c.3532C>A on transcript NM_002291.3 (MANE Select); coding-DNA position 3532, C replaced by A.
Protein change: p.Pro1178Thr; replaces proline 1178 with threonine.
Molecular consequence: missense variant.
Genome position (GRCh38, 1-based): chr7:107,940,218, G>T on the plus strand (C>A on the coding strand, the complement: LAMB1 is on the minus strand). VCF-style: chr7-107940218-G-T. GRCh37 (hg19) VCF-style: chr7-107580663-G-T.
Other names: short protein forms P1178T.
Identifiers: ClinVar variation 1311014 (VCV001311014.2), dbSNP rs2116353624, ClinGen allele CA368858781.